The following is an entry in ClinVar:

NM_015662.3(IFT172):c.1388T>C (p.Ile463Thr)

Gene: IFT172 (intraflagellar transport 172; minus strand). Cytogenetic location: 2p23.3.
Variant type: single nucleotide variant.
Coding change: c.1388T>C on transcript NM_015662.3 (MANE Select); coding-DNA position 1388, T replaced by C.
Protein change: p.Ile463Thr; replaces isoleucine 463 with threonine.
Molecular consequence: missense variant.
Genome position (GRCh38, 1-based): chr2:27,476,664, A>G on the plus strand (T>C on the coding strand, the complement: IFT172 is on the minus strand). VCF-style: chr2-27476664-A-G. GRCh37 (hg19) VCF-style: chr2-27699531-A-G.
Other names: c.1388T>C, p.Ile463Thr (NM_001410739.1); short protein forms I463T.
Identifiers: ClinVar variation 1960953 (VCV001960953.4), dbSNP rs1236901349, ClinGen allele CA1580675.

ClinVar aggregate classification (germline): Uncertain significance (1 of 4 stars; one submission).

Conditions:
Short-rib thoracic dysplasia 10 with or without polydactyly (SRTD10). Identifiers: Orphanet 474, MedGen C3810175, MONDO:0014284, OMIM 615630.
Retinitis pigmentosa 71 (RP71). Identifiers: Orphanet 791, MedGen C4225342, MONDO:0014618, OMIM 616394.

Allele frequency attached by ClinVar (database versions not stated): gnomAD exomes below 0.00001; TOPMed below 0.00001; ExAC 0.00001; gnomAD 0.00001.
gnomAD v4.1: 8 of 1,602,558 alleles (0.0005%); highest among the groups gnomAD compares: South Asian, 0.0011%; no homozygotes.

Submission:

Labcorp Genetics (formerly Invitae), Labcorp
Classification: Uncertain significance for Retinitis pigmentosa 71; Short-rib thoracic dysplasia 10 with or without polydactyly. Last evaluated: 2021-12-31. Review status: criteria provided, single submitter. Criteria: Invitae Variant Classification Sherloc (09022015). Collection method: clinical testing. Allele origin: germline.
Comment: This sequence change replaces isoleucine, which is neutral and non-polar, with threonine, which is neutral and polar, at codon 463 of the IFT172 protein (p.Ile463Thr). This variant is present in population databases (no rsID available, gnomAD 0.006%). This variant has not been reported in the literature in individuals affected with IFT172-related conditions. Algorithms developed to predict the effect of missense changes on protein structure and function are either unavailable or do not agree on the potential impact of this missense change (SIFT: "Deleterious"; PolyPhen-2: "Benign"; Align-GVGD: "Class C0"). In summary, the available evidence is currently insufficient to determine the role of this variant in disease. Therefore, it has been classified as a Variant of Uncertain Significance.